The following is an entry in ClinVar:

NM_000051.4(ATM):c.6777T>C (p.Ser2259=)

Genes: ATM (ATM serine/threonine kinase; plus strand), C11orf65 (chromosome 11 open reading frame 65; minus strand). Cytogenetic location: 11q22.3.
Variant type: single nucleotide variant.
Coding change: c.6777T>C on transcript NM_000051.4 (MANE Select); coding-DNA position 6777, T replaced by C.
Protein change: p.Ser2259=; no amino-acid change (serine 2259 retained).
Molecular consequence: synonymous variant. On other transcripts: intron variant (2).
Genome position (GRCh38, 1-based): chr11:108,325,514, T>C. VCF-style: chr11-108325514-T-C. GRCh37 (hg19) VCF-style: chr11-108196241-T-C.
Other names: c.6777T>C, p.Ser2259= (NM_001351834.2); c.641-16443A>G (NM_001330368.2); c.*38+9706A>G (NM_001351110.2).
Identifiers: ClinVar variation 387695 (VCV000387695.13), dbSNP rs1057522874, ClinGen allele CA16606846.
Genomic context (GRCh38, chr11:108,325,514, plus strand): 5'-GGACAACTCACAAAGAGAATGTATTAAGGACATTCTCACCAAACACCTTGTAGAACTCTC[T>C]ATACTGGCCAGAACTTTCAAGAACACTCAGGTAAATACAATTTAAAACTATGTCATCTTA-3'
Protein context (NP_000042.3, residues 2249-2269): DILTKHLVEL[Ser2259=]ILARTFKNTQ

ClinVar aggregate classification (germline): Benign/Likely benign. Review status: criteria provided, multiple submitters, no conflicts (2 of 4 stars). 5 submissions from 5 submitters: Benign (1); Likely benign (4). Last evaluated 2024-11-12.

Conditions:
Hereditary cancer-predisposing syndrome. Also called: Neoplastic Syndromes, Hereditary; Hereditary Cancer Syndrome; Tumor predisposition; Hereditary neoplastic syndrome. Identifiers: Orphanet 140162, MedGen C0027672, MeSH D009386, MONDO:0015356.
Familial cancer of breast. Also called: Hereditary breast cancer; BREAST CANCER, FAMILIAL; hereditary breast carcinoma. Identifiers: Orphanet 227535, MedGen C0346153, MONDO:0016419, OMIM 114480. Disease mechanism: loss of function.
Ataxia-telangiectasia syndrome (AT). Also called: LOUIS-BAR SYNDROME; Cerebello-oculocutaneous telangiectasia; Immunodeficiency with ataxia telangiectasia; Ataxia-telangiectasia, complementation group D; AT, COMPLEMENTATION GROUP C; Ataxia-telangiectasia, complementation group E. Identifiers: Orphanet 100, MedGen C0004135, MONDO:0008840, OMIM 208900.

Submissions (5):

Labcorp Genetics (formerly Invitae), Labcorp
Classification: Likely benign for Ataxia-telangiectasia syndrome. Last evaluated: 2024-11-12. Review status: criteria provided, single submitter. Criteria: Invitae Variant Classification Sherloc (09022015). Collection method: clinical testing. Allele origin: germline.

Myriad Genetics, Inc.
Classification: Benign for Familial cancer of breast. Last evaluated: 2024-06-10. Review status: criteria provided, single submitter. Criteria: Myriad Autosomal Dominant, Autosomal Recessive and X-Linked Classification Criteria (2023). Collection method: clinical testing. Allele origin: unknown.
Comment: This variant is considered benign. This variant is a silent/synonymous amino acid change and it is not expected to impact splicing.

Color Diagnostics, LLC DBA Color Health
Classification: Likely benign for Hereditary cancer-predisposing syndrome. Last evaluated: 2024-02-05. Review status: criteria provided, single submitter. Criteria: ACMG Guidelines, 2015. Collection method: clinical testing. Allele origin: germline.

Ambry Genetics
Classification: Likely benign for Hereditary cancer-predisposing syndrome. Last evaluated: 2022-01-15. Review status: criteria provided, single submitter. Criteria: Ambry Variant Classification Scheme 2023. Collection method: clinical testing. Allele origin: germline.

GeneDx
Classification: Likely benign. Last evaluated: 2016-07-12. Review status: criteria provided, single submitter. Criteria: GeneDx Variant Classification (06012015). Collection method: clinical testing. Allele origin: germline. Affected: yes.
Comment: This variant is considered likely benign or benign based on one or more of the following criteria: it is a conservative change, it occurs at a poorly conserved position in the protein, it is predicted to be benign by multiple in silico algorithms, and/or has population frequency not consistent with disease.